The following is an entry in ClinVar:

ClinVar aggregate classification (germline): Likely benign (1 of 4 stars; one submission).

Allele frequency attached by ClinVar (database versions not stated): 1000 Genomes Project 0.00160; 1000 Genomes Project 30x 0.00187; ESP Exome Variant Server 0.00215; gnomAD 0.00235; TOPMed 0.00246; ExAC 0.00285.
gnomAD v4.1: 3,302 of 1,613,950 alleles (0.2%); highest among the groups gnomAD compares: Middle Eastern, 4.2%; 19 homozygotes.

Submission:

CeGaT Center for Human Genetics Tuebingen
Classification: Likely benign. Last evaluated: 2022-11-01. Review status: criteria provided, single submitter. Criteria: CeGaT Center For Human Genetics Tuebingen Variant Classification Criteria Version 2. Collection method: clinical testing. Allele origin: germline. Affected: yes. Observed: 1 variant allele.
Comment: MPHOSPH10: BP4, BS2

NM_005791.3(MPHOSPH10):c.1784G>A (p.Arg595Gln)

Gene: MPHOSPH10 (M-phase phosphoprotein 10; plus strand). Cytogenetic location: 2p13.3.
Variant type: single nucleotide variant.
Coding change: c.1784G>A on transcript NM_005791.3 (MANE Select); coding-DNA position 1784, G replaced by A.
Protein change: p.Arg595Gln; replaces arginine 595 with glutamine.
Molecular consequence: missense variant.
Genome position (GRCh38, 1-based): chr2:71,149,341, G>A. VCF-style: chr2-71149341-G-A. GRCh37 (hg19) VCF-style: chr2-71376471-G-A.
Other names: short protein forms R595Q.
Identifiers: ClinVar variation 2651022 (VCV002651022.24), dbSNP rs115361918, ClinGen allele CA1703238.